The following is an entry in ClinVar:

ClinVar aggregate classification (germline): Likely benign (1 of 4 stars; one submission).

gnomAD v4.1: 30 of 1,612,552 alleles (0.0019%); highest among the groups gnomAD compares: Non-Finnish European, 0.0024%; no homozygotes.

Submission:

Molecular Diagnostic Laboratory for Inherited Cardiovascular Disease, Montreal Heart Institute
Classification: Likely benign. Last evaluated: 2025-04-09. Review status: criteria provided, single submitter. Criteria: ACMG Guidelines, 2015. Collection method: clinical testing. Allele origin: germline. Affected: no.
Comment: BP7

NM_001281740.3(FHOD3):c.1962C>T (p.Asn654=)

Gene: FHOD3 (formin homology 2 domain containing 3; plus strand). Cytogenetic location: 18q12.2.
Variant type: single nucleotide variant.
Coding change: c.1962C>T on transcript NM_001281740.3 (MANE Select); coding-DNA position 1962, C replaced by T.
Protein change: p.Asn654=; no amino-acid change (asparagine 654 retained).
Molecular consequence: synonymous variant.
Genome position (GRCh38, 1-based): chr18:36,681,562, C>T. VCF-style: chr18-36681562-C-T. GRCh37 (hg19) VCF-style: chr18-34261525-C-T.
Other names: c.1437C>T, p.Asn479= (NM_001281739.3, NM_025135.5).
Identifiers: ClinVar variation 3895364 (VCV003895364.1), dbSNP rs368544178.
Genomic context (GRCh38, chr18:36,681,562, plus strand): 5'-AGAGAGGCGGCGGCAGGAGAGAGAAGAAAGGTTGCAGAGAATAGAGCGGGAAGAAAGAAA[C>T]AAATTCAGGTAAGAAGGATCTTAAGATTTTTTTTAAATAGTGAGTTAAAAATTAAAGGCA-3'
Protein context (NP_001268669.1, residues 644-664): RLQRIEREER[Asn654=]KFSRDYLDKR